The following is an entry in ClinVar:

ClinVar aggregate classification (germline): Uncertain significance (1 of 4 stars; one submission).

Conditions:
Hereditary breast ovarian cancer syndrome. Also called: Hereditary breast and ovarian cancer syndrome (HBOC); Hereditary breast and ovarian cancer; Breast and ovarian cancer; Hereditary breast and/or ovarian cancer syndrome; BRCA1- and BRCA2-Associated Hereditary Breast and Ovarian Cancer; Hereditary breast and ovarian cancer syndrome. Identifiers: Orphanet 145, MedGen C0677776, MeSH D061325, MONDO:0003582. Disease mechanism: loss of function.

Submission:

Labcorp Genetics (formerly Invitae), Labcorp
Classification: Uncertain significance for Hereditary breast ovarian cancer syndrome. Last evaluated: 2025-10-11. Review status: criteria provided, single submitter. Criteria: Invitae Variant Classification Sherloc (09022015). Collection method: clinical testing. Allele origin: germline.
Comment: This sequence change replaces threonine, which is neutral and polar, with asparagine, which is neutral and polar, at codon 1403 of the BRCA2 protein (p.Thr1403Asn). This variant is not present in population databases (gnomAD no frequency). This variant has not been reported in the literature in individuals affected with BRCA2-related conditions. Invitae Evidence Modeling of protein sequence and biophysical properties (such as structural, functional, and spatial information, amino acid conservation, physicochemical variation, residue mobility, and thermodynamic stability) indicates that this missense variant is not expected to disrupt BRCA2 protein function with a negative predictive value of 95%. In summary, the available evidence is currently insufficient to determine the role of this variant in disease. Therefore, it has been classified as a Variant of Uncertain Significance.

NM_000059.4(BRCA2):c.4208C>A (p.Thr1403Asn)

Gene: BRCA2 (BRCA2 DNA repair associated; plus strand). Cytogenetic location: 13q13.1.
Variant type: single nucleotide variant.
Coding change: c.4208C>A on transcript NM_000059.4 (MANE Select); coding-DNA position 4208, C replaced by A.
Protein change: p.Thr1403Asn; replaces threonine 1403 with asparagine.
Molecular consequence: missense variant. On other transcripts: non-coding transcript variant (1), intron variant (2).
Genome position (GRCh38, 1-based): chr13:32,338,563, C>A. VCF-style: chr13-32338563-C-A. GRCh37 (hg19) VCF-style: chr13-32912700-C-A.
Other names: c.4208C>A, p.Thr1403Asn (NM_001406719.1, NM_001406720.1, NM_001432077.1); c.1909+5176C>A (NM_001406721.1); c.425-5995C>A (NM_001406722.1); short protein forms T1403N.
Identifiers: ClinVar variation 4802304 (VCV004802304.1).